The following is an entry in ClinVar:

ClinVar aggregate classification (germline): Pathogenic. Review status: criteria provided, multiple submitters, no conflicts (2 of 4 stars). 2 submissions from 2 submitters: Pathogenic (2). Last evaluated 2025-05-08.

Submissions (2):

GeneDx
Classification: Pathogenic. Last evaluated: 2025-05-08. Review status: criteria provided, single submitter. Criteria: GeneDx Variant Classification Process June 2021. Collection method: clinical testing. Allele origin: germline. Affected: yes.
Comment: Frameshift variant predicted to result in protein truncation or nonsense mediated decay in a gene for which loss of function is a known mechanism of disease; Not observed at significant frequency in large population cohorts (gnomAD); This variant is associated with the following publications: (PMID: 35426160, 34234304, 37273706, 35896380, 24814856, 19141356)

Athena Diagnostics
Classification: Pathogenic. Last evaluated: 2024-04-25. Review status: criteria provided, single submitter. Criteria: Athena Diagnostics Criteria. Collection method: clinical testing. Allele origin: unknown.
Comment: This variant is expected to result in the loss of a functional protein. The frequency of this variant in the general population is consistent with pathogenicity. This variant has been identified in multiple unrelated individuals with clinical features of autosomal recessive spinocerebellar ataxia. In multiple individuals, this variant has been seen with a single recessive pathogenic variant in the same gene, suggesting this variant may also be pathogenic.

Literature cited by the submitters: PubMed 24814856 (cited by Athena Diagnostics); PubMed 35426160 (cited by Athena Diagnostics); PubMed 37273706 (cited by Athena Diagnostics); PubMed 35896380 (cited by Athena Diagnostics); PubMed 19141356 (cited by Athena Diagnostics).

NM_015046.5:c.6848_6851del

Gene: SETX (senataxin; minus strand).
Variant type: Deletion.
Identifiers: ClinVar variation 3571493 (VCV003571493.2).